The following is an entry in ClinVar:

ClinVar aggregate classification (germline): Likely benign. Review status: criteria provided, multiple submitters, no conflicts (2 of 4 stars). 2 submissions from 2 submitters: Likely benign (2). Last evaluated 2022-05-01.

Allele frequency attached by ClinVar (database versions not stated): gnomAD exomes 0.00015 and 0.00009; TOPMed 0.00017; gnomAD 0.00023; ExAC 0.00012.
gnomAD v4.1: 169 of 1,612,040 alleles (0.01%); highest among the groups gnomAD compares: Admixed American, 0.013%; no homozygotes.

Submissions (2):

CeGaT Center for Human Genetics Tuebingen
Classification: Likely benign. Last evaluated: 2022-05-01. Review status: criteria provided, single submitter. Criteria: CeGaT Center For Human Genetics Tuebingen Variant Classification Criteria Version 2. Collection method: clinical testing. Allele origin: germline. Affected: yes. Observed: 1 variant allele.
Comment: TK2: BP4, BP7

Blueprint Genetics
Classification: Likely benign. Last evaluated: 2019-11-27. Review status: criteria provided, single submitter. Criteria: ACMG Guidelines, 2015. Collection method: clinical testing. Allele origin: germline.

NM_001172643.1(TK2):c.31+71A>G

Gene: TK2 (thymidine kinase 2; minus strand). Cytogenetic location: 16q21.
Variant type: single nucleotide variant.
Coding change: c.31+71A>G on transcript NM_001172643.1; 71 bases into the intron after coding-DNA position 31, A replaced by G.
Molecular consequence: intron variant.
Genome position (GRCh38, 1-based): chr16:66,550,182, T>C on the plus strand (A>G on the coding strand, the complement: TK2 is on the minus strand). VCF-style: chr16-66550182-T-C. GRCh37 (hg19) VCF-style: chr16-66584085-T-C.
Other names: c.31+71A>G (NM_001271935.1).
Identifiers: ClinVar variation 1694799 (VCV001694799.29), dbSNP rs752335942, ClinGen allele CA8093892.
Genomic context (GRCh38, chr16:66,550,182, plus strand): 5'-TGCTAGTCCAGCCGTTGGGCGCCGCCTGGATCCCGGCGCCTGGCCCTTAAAGAGACCCGG[T>C]CGCATTTCATCTCAGCAAGAGGAGAAATACTCGAAGGGAGAGGTTCGCCGCTGGCAGCCA-3'